The following is an entry in ClinVar:

NM_133259.4(LRPPRC):c.3372G>C (p.Val1124=)

Gene: LRPPRC (leucine rich pentatricopeptide repeat containing; minus strand). Cytogenetic location: 2p21.
Variant type: single nucleotide variant.
Coding change: c.3372G>C on transcript NM_133259.4 (MANE Select); coding-DNA position 3372, G replaced by C.
Protein change: p.Val1124=; no amino-acid change (valine 1124 retained).
Molecular consequence: synonymous variant.
Genome position (GRCh38, 1-based): chr2:43,901,517, C>G on the plus strand (G>C on the coding strand, the complement: LRPPRC is on the minus strand). VCF-style: chr2-43901517-C-G. GRCh37 (hg19) VCF-style: chr2-44128656-C-G.
Identifiers: ClinVar variation 2994443 (VCV002994443.5), dbSNP rs1185192154, ClinGen allele CA425909639.

ClinVar aggregate classification (germline): Likely benign. Review status: criteria provided, multiple submitters, no conflicts (2 of 4 stars). 2 submissions from 2 submitters: Likely benign (2). Last evaluated 2026-04-01.

Allele frequency attached by ClinVar (database versions not stated): gnomAD exomes below 0.00001.
gnomAD v4.1: 5 of 1,609,850 alleles (0.00031%); highest among the groups gnomAD compares: Middle Eastern, 0.083%; 1 homozygote.

Submissions (2):

CeGaT Center for Human Genetics Tuebingen
Classification: Likely benign. Last evaluated: 2026-04-01. Review status: criteria provided, single submitter. Criteria: CeGaT Center For Human Genetics Tuebingen Variant Classification Criteria Version 2. Collection method: clinical testing. Allele origin: germline. Affected: yes. Observed: 1 variant allele.
Comment: LRPPRC: BP4, BP7

Labcorp Genetics (formerly Invitae), Labcorp
Classification: Likely benign. Last evaluated: 2023-11-27. Review status: criteria provided, single submitter. Criteria: Invitae Variant Classification Sherloc (09022015). Collection method: clinical testing. Allele origin: germline.